The following is an entry in ClinVar:

ClinVar aggregate classification (germline): Uncertain significance (1 of 4 stars; one submission).

Submission:

GeneDx
Classification: Uncertain significance. Last evaluated: 2024-12-17. Review status: criteria provided, single submitter. Criteria: GeneDx Variant Classification Process June 2021. Collection method: clinical testing. Allele origin: germline. Affected: yes.
Comment: Not observed at significant frequency in large population cohorts (gnomAD); In silico analysis supports that this missense variant has a deleterious effect on protein structure/function; Has not been previously published as pathogenic or benign to our knowledge

NM_001848.3(COL6A1):c.2069C>G (p.Ala690Gly)

Gene: COL6A1 (collagen type VI alpha 1 chain; plus strand). Cytogenetic location: 21q22.3.
Variant type: single nucleotide variant.
Coding change: c.2069C>G on transcript NM_001848.3 (MANE Select); coding-DNA position 2069, C replaced by G.
Protein change: p.Ala690Gly; replaces alanine 690 with glycine.
Molecular consequence: missense variant.
Genome position (GRCh38, 1-based): chr21:46,002,220, C>G. VCF-style: chr21-46002220-C-G. GRCh37 (hg19) VCF-style: chr21-47422134-C-G.
Other names: short protein forms A690G.
Identifiers: ClinVar variation 3906597 (VCV003906597.1).